The following is an entry in ClinVar:

NM_020458.4(TTC7A):c.286G>T (p.Glu96Ter)

Gene: TTC7A (tetratricopeptide repeat domain 7A; plus strand). Cytogenetic location: 2p21.
Variant type: single nucleotide variant.
Coding change: c.286G>T on transcript NM_020458.4 (MANE Select); coding-DNA position 286, G replaced by T.
Protein change: p.Glu96Ter; replaces glutamic acid 96 with a stop codon.
Molecular consequence: nonsense. On other transcripts: 5 prime UTR variant (1).
Genome position (GRCh38, 1-based): chr2:46,950,464, G>T. VCF-style: chr2-46950464-G-T. GRCh37 (hg19) VCF-style: chr2-47177603-G-T.
Other names: c.286G>T, p.Glu96Ter (LRG_1323t1, NM_001288951.2); c.184G>T, p.Glu62Ter (NM_001288953.2); c.-619G>T (NM_001288955.2); short protein forms E62*, E96*.
Identifiers: ClinVar variation 284147 (VCV000284147.8), dbSNP rs886042805, ClinGen allele CA10604704.

ClinVar aggregate classification (germline): Pathogenic. Review status: criteria provided, multiple submitters, no conflicts (2 of 4 stars). 2 submissions from 2 submitters: Pathogenic (2). Last evaluated 2022-02-02.

Conditions:
Gastrointestinal defects and immunodeficiency syndrome 1 (GIDID1). Also called: Combined immunodeficiency-enteropathy spectrum. Identifiers: Orphanet 436252, MedGen C5968858, MONDO:0800030, OMIM 243150.

gnomAD v4.1: 5 of 1,614,194 alleles (0.00031%); highest among the groups gnomAD compares: Non-Finnish European, 0.00042%; no homozygotes.

Submissions (2):

Victorian Clinical Genetics Services, Murdoch Childrens Research Institute
Classification: Pathogenic for Gastrointestinal defects and immunodeficiency syndrome 1. Last evaluated: 2022-02-02. Review status: criteria provided, single submitter. Criteria: ACMG Guidelines, 2015. Collection method: clinical testing. Allele origin: germline. Inheritance: Autosomal recessive inheritance.
Comment: Based on the classification scheme VCGS_Germline_v1.3.4, this variant is classified as Pathogenic. Following criteria are met: 0102 - Loss of function is a known mechanism of disease in this gene and is associated with gastrointestinal defects and immunodeficiency syndrome (MIM#243150). (I) 0106 - This gene is associated with autosomal recessive disease. (I) 0201 - Variant is predicted to cause nonsense-mediated decay (NMD) and loss of protein (premature termination codon is located at least 54 nucleotides upstream of the final exon-exon junction). (SP) 0251 - This variant is heterozygous. (I) 0301 - Variant is absent from gnomAD (both v2 and v3). (SP) 0701 - Other NMD-predicted variants comparable to the one identified in this case have very strong previous evidence for pathogenicity. There are at least 10 NMD-predicted variants that have been classified as pathogenic and/or reported in affected individuals (ClinVar; PMID: 30553809). (SP) 0803 - This variant has limited previous evidence of pathogenicity in unrelated individuals. This variant has been has been reported in one neonate with intestinal atresia and severe immunodeficiency (poster P.60 in PMID: 24266605). It has also been classified once as pathogenic by a clinical diagnostic laboratory; however limited evidence was provided (ClinVar). (SP) 0905 - No published segregation evidence has been identified for this variant. (I) 1007 - No published functional evidence has been identified for this variant. (I) 1201 - Heterozygous variant detected in trans with a second pathogenic heterozygous variant (NM_020458.3(TTC7A):c.286G>T; p.(Gln395Profs*104)) in a recessive disease. (I) Legend: (SP) - Supporting pathogenic, (I) - Information, (SB) - Supporting benign

Eurofins Ntd Llc (ga)
Classification: Pathogenic. Last evaluated: 2015-10-13. Review status: criteria provided, single submitter. Criteria: EGL Classification Definitions 2015. Collection method: clinical testing. Allele origin: germline.

Literature cited by the submitters: PubMed 24266605 (cited by Victorian Clinical Genetics Services, Murdoch Childrens Research Institute); PubMed 30553809 (cited by Victorian Clinical Genetics Services, Murdoch Childrens Research Institute); PubMed 26938784 (cited by Victorian Clinical Genetics Services, Murdoch Childrens Research Institute).